The following is an entry in ClinVar:

NM_000430.4(PAFAH1B1):c.716dup (p.Met239fs)

Gene: PAFAH1B1 (platelet activating factor acetylhydrolase 1b regulatory subunit 1; plus strand). Cytogenetic location: 17p13.3.
Variant type: Duplication.
Coding change: c.716dup on transcript NM_000430.4 (MANE Select); coding-DNA position 716, one base duplicated (T; older notation c.716dupT).
Protein change: p.Met239fs; shifts the reading frame from methionine 239.
Molecular consequence: frameshift variant.
Genome position (GRCh38, 1-based): chr17:2,674,104, T duplicated. VCF-style (leftmost placement, unchanged base first): chr17-2674103-A-AT. GRCh37 (hg19) VCF-style: chr17-2577397-A-AT.
Other names: short protein forms M239fs.
Identifiers: ClinVar variation 159542 (VCV000159542.8), dbSNP rs587784284, ClinGen allele CA272438.
Genomic context (GRCh38, chr17:2,674,103, plus strand): 5'-ATTATTTATATTGACAGCTACTGTGTGAAGACATTCACAGGACACAGAGAATGGGTACGT[A>AT]TGGTACGGCCAAATCAAGATGGCACTCTGATAGCCAGCTGTTCCAATGACCAGACTGTGC-3'

ClinVar aggregate classification (germline): Pathogenic (0 of 4 stars; one submission).

Conditions:
Lissencephaly due to LIS1 mutation (LIS1). Also called: PAFAH1B1-Associated Lissencephaly/Subcortical Band Heterotopia; PAFAH1B1-Related Lissencephaly/Subcortical Band Heterotopia; Isolated Lissencephaly Sequence. Identifiers: Orphanet 95232, MedGen C4749301, MONDO:0011830, OMIM 607432.

Submission:

Genetic Services Laboratory, University of Chicago
Classification: Pathogenic for Lissencephaly due to LIS1 mutation. Last evaluated: 2013-12-31. Review status: no assertion criteria provided. Collection method: clinical testing. Allele origin: germline. Affected: yes.
Comment: DNA sequence analysis of the PAFAH1B1 gene demonstrated a one base pair duplication in exon 8, c.716dup. This pathogenic sequence change results in an amino acid frameshift and creates a premature stop codon 16 amino acids downstream of the mutation, p.Met239Ilefs*17. This pathogenic sequence change is predicted to result in an abnormal transcript, which may be degraded, or may lead to the production of a truncated PAFAH1B1 protein with potentially abnormal function.